The following is an entry in ClinVar:

ClinVar aggregate classification (germline): Uncertain significance (1 of 4 stars; one submission).

Submission:

GeneDx
Classification: Uncertain significance. Last evaluated: 2014-03-25. Review status: criteria provided, single submitter. Criteria: GeneDx Variant Classification (06012015). Collection method: clinical testing. Allele origin: germline. Affected: yes.
Comment: c.475_476insG: p.Tyr159Stop (Y159X) in exon 4 of the TTN gene (NM_001256850.1). The normal sequence with the base that is inserted in braces is: CTCT{G}ACAG. The c.475_476insG variant in the TTN gene has not been reported to our knowledge. This variant was not observed in approximately 6,500 individuals of European and African American ancestry in the NHLBI Exome Sequencing Project, indicating it is not a common benign variant in these populations. This variant changes the Tyrosine at position 159 to a stop codon, denoted p.Tyr159Stop. This variant may result in an abnormal, truncated protein product or loss of protein from this allele through nonsense-mediated mRNA decay. However, c.475_476insG is not located in the A-band region of titin, where the majority of truncating mutations associated with DCM have been reported (Herman D et al., 2012). Other truncating TTN variants have been reported in approximately 3% of control alleles (Herman D et al., 2012). With the clinical and molecular information available at this time, we cannot definitively determine if c.475_476insG is a disease-causing mutation or a rare benign variant. The variant is found in CARDIOMYOPATHY panel(s).

NM_001267550.2(TTN):c.475_476insG (p.Tyr159Ter)

Gene: TTN (titin; minus strand). Cytogenetic location: 2q31.2.
Variant type: Insertion.
Coding change: c.475_476insG on transcript NM_001267550.2 (MANE Select); coding-DNA positions 475 to 476, G inserted.
Protein change: p.Tyr159Ter; replaces tyrosine 159 with a stop codon.
Molecular consequence: nonsense.
Genome position: GRCh38 VCF-style: chr2-178800502-T-TC. GRCh37 (hg19) VCF-style: chr2-179665229-T-TC.
Other names: c.475_476insG, p.Tyr159Ter (NM_003319.4, NM_133378.4, NM_133379.5 and 3 more transcripts); short protein forms Y159*.
Identifiers: ClinVar variation 202513 (VCV000202513.1), dbSNP rs794729377, ClinGen allele CA309482.